The following is an entry in ClinVar:

ClinVar aggregate classification (germline): Uncertain significance (1 of 4 stars; one submission).

Allele frequency attached by ClinVar (database versions not stated): gnomAD 0.00011; ExAC 0.00012; gnomAD exomes 0.00014; ESP Exome Variant Server 0.00015; TOPMed 0.00015.
gnomAD v4.1: 226 of 1,614,022 alleles (0.014%); highest among the groups gnomAD compares: Non-Finnish European, 0.017%; no homozygotes.

Submission:

GeneDx
Classification: Uncertain significance. Last evaluated: 2026-01-25. Review status: criteria provided, single submitter. Criteria: GeneDx Variant Classification Process June 2021. Collection method: clinical testing. Allele origin: germline. Affected: yes.
Comment: In silico analysis suggests that this missense variant does not alter protein structure/function; Has not been previously published as pathogenic or benign to our knowledge

NM_005085.4(NUP214):c.2752A>G (p.Asn918Asp)

Gene: NUP214 (nucleoporin 214; plus strand). Cytogenetic location: 9q34.13.
Variant type: single nucleotide variant.
Coding change: c.2752A>G on transcript NM_005085.4 (MANE Select); coding-DNA position 2752, A replaced by G.
Protein change: p.Asn918Asp; replaces asparagine 918 with aspartic acid.
Molecular consequence: missense variant.
Genome position (GRCh38, 1-based): chr9:131,163,898, A>G. VCF-style: chr9-131163898-A-G. GRCh37 (hg19) VCF-style: chr9-134039285-A-G.
Other names: c.2722A>G, p.Asn908Asp (NM_001318324.2); short protein forms N908D, N918D.
Identifiers: ClinVar variation 2571765 (VCV002571765.4), dbSNP rs149414247, ClinGen allele CA5289402.